The following is an entry in ClinVar:

ClinVar aggregate classification (germline): Uncertain significance (1 of 4 stars; one submission).

Conditions:
Idiopathic generalized epilepsy. Also called: EIG; Generalised epilepsy. Identifiers: MedGen C0270850, MONDO:0005579, OMIM 600669.
Hyperaldosteronism, familial, type IV (HALD4). Also called: FH IV; ALDOSTERONISM, PRIMARY, AND HYPERTENSION. Identifiers: Orphanet 642671, MedGen C4310756, MONDO:0014875, OMIM 617027.

Allele frequency attached by ClinVar (database versions not stated): gnomAD 0.00001; TOPMed 0.00001.
gnomAD v4.1: 4 of 1,605,868 alleles (0.00025%); highest among the groups gnomAD compares: Non-Finnish European, 0.00034%; no homozygotes.

Submission:

Labcorp Genetics (formerly Invitae), Labcorp
Classification: Uncertain significance for Idiopathic generalized epilepsy; Hyperaldosteronism, familial, type IV. Last evaluated: 2020-01-27. Review status: criteria provided, single submitter. Criteria: Invitae Variant Classification Sherloc (09022015). Collection method: clinical testing. Allele origin: germline.
Comment: This sequence change creates a premature translational stop signal (p.Arg1069*) in the CACNA1H gene. It is expected to result in an absent or disrupted protein product. This variant is not present in population databases (ExAC no frequency). This variant has not been reported in the literature in individuals with CACNA1H-related conditions. The current clinical and genetic evidence is not sufficient to establish whether loss-of-function variants in CACNA1H cause disease. In summary, the available evidence is currently insufficient to determine the role of this variant in disease. Therefore, it has been classified as a Variant of Uncertain Significance.

NM_021098.3(CACNA1H):c.3205C>T (p.Arg1069Ter)

Gene: CACNA1H (calcium voltage-gated channel subunit alpha1 H; plus strand). Cytogenetic location: 16p13.3.
Variant type: single nucleotide variant.
Coding change: c.3205C>T on transcript NM_021098.3 (MANE Select); coding-DNA position 3205, C replaced by T.
Protein change: p.Arg1069Ter; replaces arginine 1069 with a stop codon.
Molecular consequence: nonsense.
Genome position (GRCh38, 1-based): chr16:1,208,063, C>T. VCF-style: chr16-1208063-C-T. GRCh37 (hg19) VCF-style: chr16-1258063-C-T.
Other names: c.3205C>T, p.Arg1069Ter (NM_001005407.2); short protein forms R1069*.
Identifiers: ClinVar variation 936077 (VCV000936077.3), dbSNP rs780350191, ClinGen allele CA394171845.